The following is an entry in ClinVar:

ClinVar aggregate classification (germline): Pathogenic (1 of 4 stars; one submission).

Conditions:
Hereditary cancer-predisposing syndrome. Also called: Neoplastic Syndromes, Hereditary; Tumor predisposition; Hereditary neoplastic syndrome; Hereditary Cancer Syndrome. Identifiers: Orphanet 140162, MedGen C0027672, MeSH D009386, MONDO:0015356.

Submission:

Ambry Genetics
Classification: Pathogenic for Hereditary cancer-predisposing syndrome. Last evaluated: 2026-06-30. Review status: criteria provided, single submitter. Criteria: Ambry Variant Classification Scheme 2023. Collection method: clinical testing. Allele origin: germline.
Comment: The c.3047_3052delATGAGAinsTGTGCTC pathogenic mutation, located in coding exon 9 of the BRCA1 gene, results from the deletion of 6 nucleotides and insertion of 7 nucleotides causing a translational frameshift with a predicted alternate stop codon (p.N1016Mfs*12). This variant is considered to be rare based on population cohorts in the Genome Aggregation Database (gnomAD). This alteration is expected to result in loss of function by premature protein truncation or nonsense-mediated mRNA decay. As such, this alteration is interpreted as a disease-causing mutation.

NM_007294.4(BRCA1):c.3047_3052delinsTGTGCTC (p.Asn1016fs)

Gene: BRCA1 (BRCA1 DNA repair associated; minus strand). Cytogenetic location: 17q21.31.
Variant type: Indel.
Coding change: c.3047_3052delinsTGTGCTC on transcript NM_007294.4 (MANE Select); coding-DNA positions 3047 to 3052, ATGAGA replaced by TGTGCTC.
Protein change: p.Asn1016fs; shifts the reading frame from asparagine 1016.
Molecular consequence: frameshift variant. On other transcripts: intron variant (137).
Genome position (GRCh38, 1-based): chr17:43,092,479-43,092,484, TCTCAT replaced by GAGCACA on the plus strand (ATGAGA replaced by TGTGCTC on the coding strand, the reverse complement: BRCA1 is on the minus strand). VCF-style: chr17-43092479-TCTCAT-GAGCACA. GRCh37 (hg19) VCF-style: chr17-41244496-TCTCAT-GAGCACA.
Other names: c.461-1452_461-1447delinsTGTGCTC (NM_001408507.1, NM_001408506.1); c.545-1452_545-1447delinsTGTGCTC (NM_001408495.1); c.662-1452_662-1447delinsTGTGCTC (NM_001408448.1, NM_001408445.1, NM_001408432.1 and 6 more transcripts); c.668-1452_668-1447delinsTGTGCTC (NM_001408421.1, NM_001408431.1, NM_001408424.1); c.785-1452_785-1447delinsTGTGCTC (NM_001407991.1, NM_001408397.1, NM_001408401.1 and 13 more transcripts); c.665-1452_665-1447delinsTGTGCTC (NM_001408427.1, NM_001408436.1, NM_001408444.1 and 12 more transcripts); c.524-1452_524-1447delinsTGTGCTC (NM_001408496.1, NM_001408498.1, NM_001408501.1 and 3 more transcripts); c.647-1452_647-1447delinsTGTGCTC (NM_001408460.1, NM_001408454.1, NM_001408458.1 and 11 more transcripts); and 41 more; short protein forms N1016fs, N848fs, N949fs, N968fs, N989fs, N720fs, N905fs, N945fs.
Identifiers: ClinVar variation 5033172 (VCV005033172.1).